The following is an entry in ClinVar:

ClinVar aggregate classification (germline): Conflicting classifications of pathogenicity. Review status: criteria provided, conflicting classifications (1 of 4 stars). 3 submissions from 3 submitters: Uncertain significance (2); Likely benign (1). Last evaluated 2024-10-15.

Conditions:
Sphingolipid activator protein 1 deficiency. Also called: METACHROMATIC LEUKODYSTROPHY DUE TO CEREBROSIDE SULFATASE ACTIVATOR DEFICIENCY; Saposin B Deficiency; Metachromatic leukodystrophy due to saposin B deficiency. Identifiers: Orphanet 512, MedGen C0268262, MONDO:0009590, OMIM 249900.

Allele frequency attached by ClinVar (database versions not stated): gnomAD 0.00002; TOPMed 0.00005; ExAC 0.00006.
gnomAD v4.1: 37 of 1,613,916 alleles (0.0023%); highest among the groups gnomAD compares: East Asian, 0.016%; no homozygotes.

Submissions (3):

Labcorp Genetics (formerly Invitae), Labcorp
Classification: Uncertain significance for Sphingolipid activator protein 1 deficiency. Last evaluated: 2024-10-15. Review status: criteria provided, single submitter. Criteria: Invitae Variant Classification Sherloc (09022015). Collection method: clinical testing. Allele origin: germline.
Comment: This sequence change affects codon 397 of the PSAP mRNA. It is a 'silent' change, meaning that it does not change the encoded amino acid sequence of the PSAP protein. It affects a nucleotide within the consensus splice site. This variant is present in population databases (rs759580183, gnomAD 0.03%). This variant has not been reported in the literature in individuals affected with PSAP-related conditions. ClinVar contains an entry for this variant (Variation ID: 2147194). Algorithms developed to predict the effect of sequence changes on RNA splicing suggest that this variant is not likely to affect RNA splicing. In summary, the available evidence is currently insufficient to determine the role of this variant in disease. Therefore, it has been classified as a Variant of Uncertain Significance.

Neuberg Centre For Genomic Medicine, NCGM
Classification: Uncertain significance for Sphingolipid activator protein 1 deficiency. Last evaluated: 2024-02-01. Review status: criteria provided, single submitter. Criteria: ACMG Guidelines, 2015. Collection method: clinical testing. Allele origin: germline. Inheritance: Autosomal recessive inheritance. Affected: yes.
Comment: This p.Thr397 type of mutation causes no change in the protein that is produced, which is why it's considered as synonymous mutation but affects the splice site. For these reasons, this variant has been classified as Uncertain significance, The amino acid Pro at position 375 is changed to a Ser changing protein sequence and it might alter its composition and physico-chemical properties. For these reasons, this variant has been classified as uncertain significance

Blueprint Genetics
Classification: Likely benign. Last evaluated: 2023-01-17. Review status: criteria provided, single submitter. Criteria: ACMG Guidelines, 2015. Collection method: clinical testing. Allele origin: germline.

NM_002778.4(PSAP):c.1191C>T (p.Thr397=)

Gene: PSAP (prosaposin; minus strand). Cytogenetic location: 10q22.1.
Variant type: single nucleotide variant.
Coding change: c.1191C>T on transcript NM_002778.4 (MANE Select); coding-DNA position 1191, C replaced by T.
Protein change: p.Thr397=; no amino-acid change (threonine 397 retained).
Molecular consequence: synonymous variant.
Genome position (GRCh38, 1-based): chr10:71,819,715, G>A on the plus strand (C>T on the coding strand, the complement: PSAP is on the minus strand). VCF-style: chr10-71819715-G-A. GRCh37 (hg19) VCF-style: chr10-73579472-G-A.
Other names: c.1200C>T, p.Thr400= (NM_001042465.3); c.1197C>T, p.Thr399= (NM_001042466.3).
Identifiers: ClinVar variation 2147194 (VCV002147194.4), dbSNP rs759580183, ClinGen allele CA5547462.